The following is an entry in ClinVar:

NM_000038.6(APC):c.4994C>T (p.Pro1665Leu)

Gene: APC (APC regulator of Wnt signaling pathway; plus strand). Cytogenetic location: 5q22.2.
Variant type: single nucleotide variant.
Coding change: c.4994C>T on transcript NM_000038.6 (MANE Select); coding-DNA position 4994, C replaced by T.
Protein change: p.Pro1665Leu; replaces proline 1665 with leucine.
Molecular consequence: missense variant.
Genome position (GRCh38, 1-based): chr5:112,840,588, C>T. VCF-style: chr5-112840588-C-T. GRCh37 (hg19) VCF-style: chr5-112176285-C-T.
Other names: c.4994C>T, p.Pro1665Leu (NM_001127510.3, NM_001354895.2); c.4940C>T, p.Pro1647Leu (NM_001127511.3); c.5048C>T, p.Pro1683Leu (NM_001354896.2); c.5024C>T, p.Pro1675Leu (NM_001354897.2); c.4919C>T, p.Pro1640Leu (NM_001354898.2); c.4910C>T, p.Pro1637Leu (NM_001354899.2); c.4871C>T, p.Pro1624Leu (NM_001354900.2); c.4817C>T, p.Pro1606Leu (NM_001354901.2); and 5 more; short protein forms P1382L, P1505L, P1539L, P1564L, P1574L, P1606L, P1624L, P1637L.
Identifiers: ClinVar variation 1172278 (VCV001172278.3), dbSNP rs1176817504, ClinGen allele CA16032263.

ClinVar aggregate classification (germline): Uncertain significance. Review status: criteria provided, multiple submitters, no conflicts (2 of 4 stars). 2 submissions from 2 submitters: Uncertain significance (2). Last evaluated 2025-11-16.

Conditions:
Hereditary cancer-predisposing syndrome. Also called: Tumor predisposition; Hereditary neoplastic syndrome; Hereditary Cancer Syndrome; Neoplastic Syndromes, Hereditary. Identifiers: Orphanet 140162, MedGen C0027672, MeSH D009386, MONDO:0015356.
Familial adenomatous polyposis 1 (FAP1). Also called: FAMILIAL ADENOMATOUS POLYPOSIS 1, ATTENUATED; POLYPOSIS, ADENOMATOUS INTESTINAL. Identifiers: MedGen C2713442, MONDO:0021056, OMIM 175100. Disease mechanism: loss of function.

Allele frequency attached by ClinVar (database versions not stated): gnomAD exomes below 0.00001.
gnomAD v4.1: 2 of 1,614,144 alleles (0.00012%); highest among the groups gnomAD compares: Non-Finnish European, 0.00017%; no homozygotes.

Submissions (2):

Labcorp Genetics (formerly Invitae), Labcorp
Classification: Uncertain significance for Familial adenomatous polyposis 1. Last evaluated: 2025-11-16. Review status: criteria provided, single submitter. Criteria: Invitae Variant Classification Sherloc (09022015). Collection method: clinical testing. Allele origin: germline.
Comment: This sequence change replaces proline, which is neutral and non-polar, with leucine, which is neutral and non-polar, at codon 1665 of the APC protein (p.Pro1665Leu). This variant is present in population databases (no rsID available, gnomAD 0.006%). This variant has not been reported in the literature in individuals affected with APC-related conditions. ClinVar contains an entry for this variant (Variation ID: 1172278). Invitae Evidence Modeling of protein sequence and biophysical properties (such as structural, functional, and spatial information, amino acid conservation, physicochemical variation, residue mobility, and thermodynamic stability) indicates that this missense variant is not expected to disrupt APC protein function with a negative predictive value of 95%. In summary, the available evidence is currently insufficient to determine the role of this variant in disease. Therefore, it has been classified as a Variant of Uncertain Significance.

Color Diagnostics, LLC DBA Color Health
Classification: Uncertain significance for Hereditary cancer-predisposing syndrome. Last evaluated: 2020-12-23. Review status: criteria provided, single submitter. Criteria: ACMG Guidelines, 2015. Collection method: clinical testing. Allele origin: germline.
Comment: This missense variant replaces proline with leucine at codon 1665 of the APC protein. Computational prediction is inconclusive regarding the impact of this variant on protein structure and function (internally defined REVEL score threshold 0.5 < inconclusive < 0.7, PMID: 27666373). To our knowledge, functional studies have not been reported for this variant. This variant has not been reported in individuals affected with hereditary cancer in the literature. This variant has been identified in 1/250330 chromosomes in the general population by the Genome Aggregation Database (gnomAD). The available evidence is insufficient to determine the role of this variant in disease conclusively. Therefore, this variant is classified as a Variant of Uncertain Significance.